The following is an entry in ClinVar:

ClinVar aggregate classification (germline): Pathogenic (0 of 4 stars; one submission).

Conditions:
Fanconi anemia complementation group A (FANCA). Also called: Fanconi anemia, group A; FANCA-Related Fanconi Anemia. Identifiers: Orphanet 84, MedGen C3469521, MONDO:0009215, OMIM 227650.

Submission:

Leiden Open Variation Database
Classification: Pathogenic for Fanconi anemia complementation group A. Last evaluated: 2020-02-28. Review status: no assertion criteria provided. Collection method: curation. Allele origin: germline. Affected: yes.
Comment: Curator: Arleen D. Auerbach. Submitter to LOVD: Arleen D. Auerbach.

Literature cited by the submitters: PubMed 25168418.

NC_000016.10:g.88341728_88343606del

Gene: ZNF469 (zinc finger protein 469; plus strand). Cytogenetic location: 16q24.2.
Variant type: Deletion.
Genome position: GRCh38: chr16:88,341,728-88,343,606. GRCh37 (hg19): chr16:88,375,334-88,377,212.
Other names: NM_000135.2:c.1471-200_1626+1435del.
Identifiers: ClinVar variation 974219 (VCV000974219.2), ClinGen allele CA1139664857.